The following is an entry in ClinVar:

NM_001849.4(COL6A2):c.1097G>A (p.Arg366Gln)

Gene: COL6A2 (collagen type VI alpha 2 chain; plus strand). Cytogenetic location: 21q22.3.
Variant type: single nucleotide variant.
Coding change: c.1097G>A on transcript NM_001849.4 (MANE Select); coding-DNA position 1097, G replaced by A.
Protein change: p.Arg366Gln; replaces arginine 366 with glutamine.
Molecular consequence: missense variant.
Genome position (GRCh38, 1-based): chr21:46,117,917, G>A. VCF-style: chr21-46117917-G-A. GRCh37 (hg19) VCF-style: chr21-47537831-G-A.
Other names: c.1097G>A, p.Arg366Gln (NM_058174.3, NM_058175.3); short protein forms R366Q.
Identifiers: ClinVar variation 899068 (VCV000899068.15), dbSNP rs368588676, ClinGen allele CA10071686.

ClinVar aggregate classification (germline): Conflicting classifications of pathogenicity. Review status: criteria provided, conflicting classifications (1 of 4 stars). 5 submissions from 5 submitters: Uncertain significance (3); Likely benign (2). Last evaluated 2025-09-22.

Conditions:
Inborn genetic diseases. Identifiers: MedGen C0950123, MeSH D030342.
Collagen 6-related myopathy. Identifiers: MedGen CN117976, MONDO:0100225.
Bethlem myopathy 1A. Also called: MYOPATHY, BENIGN CONGENITAL, WITH CONTRACTURES; Bethlem myopathy 1; Bethlem Muscular Dystrophy. Identifiers: Orphanet 610, MedGen CN029274, MONDO:0024530, OMIM 158810.

Allele frequency attached by ClinVar (database versions not stated): TOPMed 0.00002; gnomAD exomes 0.00003 and 0.00006; ExAC 0.00007; ESP Exome Variant Server 0.00008.
gnomAD v4.1: 41 of 1,612,978 alleles (0.0025%); highest among the groups gnomAD compares: South Asian, 0.016%; no homozygotes.

Submissions (5):

Labcorp Genetics (formerly Invitae), Labcorp
Classification: Uncertain significance for Bethlem myopathy 1A. Last evaluated: 2025-09-22. Review status: criteria provided, single submitter. Criteria: Invitae Variant Classification Sherloc (09022015). Collection method: clinical testing. Allele origin: germline.
Comment: This sequence change replaces arginine, which is basic and polar, with glutamine, which is neutral and polar, at codon 366 of the COL6A2 protein (p.Arg366Gln). This variant is present in population databases (rs368588676, gnomAD 0.02%). This variant has not been reported in the literature in individuals affected with COL6A2-related conditions. ClinVar contains an entry for this variant (Variation ID: 899068). Invitae Evidence Modeling of protein sequence and biophysical properties (such as structural, functional, and spatial information, amino acid conservation, physicochemical variation, residue mobility, and thermodynamic stability) indicates that this missense variant is not expected to disrupt COL6A2 protein function with a negative predictive value of 80%. In summary, the available evidence is currently insufficient to determine the role of this variant in disease. Therefore, it has been classified as a Variant of Uncertain Significance.

Revvity Omics, Revvity
Classification: Uncertain significance. Last evaluated: 2024-03-27. Review status: criteria provided, single submitter. Criteria: ACMG Guidelines, 2015. Collection method: clinical testing. Allele origin: germline.

Ambry Genetics
Classification: Likely benign for Inborn genetic diseases. Last evaluated: 2023-08-08. Review status: criteria provided, single submitter. Criteria: Ambry Variant Classification Scheme 2023. Collection method: clinical testing. Allele origin: germline.

Department of Pathology and Laboratory Medicine, Sinai Health System
Classification: Uncertain significance for collagen 6-related myopathy. Last evaluated: 2022-01-31. Review status: criteria provided, single submitter. Criteria: ACMG Guidelines, 2015. Collection method: research. Allele origin: germline.

Illumina Laboratory Services, Illumina
Classification: Likely benign for Collagen VI-related myopathy. Last evaluated: 2018-01-13. Review status: criteria provided, single submitter. Criteria: ICSL Variant Classification Criteria 13 December 2019. Collection method: clinical testing. Allele origin: germline.
Comment: This variant was observed in the ICSL laboratory as part of a predisposition screen in an ostensibly healthy population. It had not been previously curated by ICSL or reported in the Human Gene Mutation Database (HGMD: prior to June 1st, 2018), and was therefore a candidate for classification through an automated scoring system. Utilizing variant allele frequency, disease prevalence and penetrance estimates, and inheritance mode, an automated score was calculated to assess if this variant is too frequent to cause the disease. Based on the score and internal cut-off values, a variant classified as likely benign is not then subjected to further curation. The score for this variant resulted in a classification of likely benign for this disease.